The following is an entry in ClinVar:

NM_004947.5(DOCK3):c.2028C>T (p.Asp676=)

Gene: DOCK3 (dedicator of cytokinesis 3; plus strand). Cytogenetic location: 3p21.2.
Variant type: single nucleotide variant.
Coding change: c.2028C>T on transcript NM_004947.5 (MANE Select); coding-DNA position 2028, C replaced by T.
Protein change: p.Asp676=; no amino-acid change (aspartic acid 676 retained).
Molecular consequence: synonymous variant.
Genome position (GRCh38, 1-based): chr3:51,237,516, C>T. VCF-style: chr3-51237516-C-T. GRCh37 (hg19) VCF-style: chr3-51274947-C-T.
Identifiers: ClinVar variation 3053419 (VCV003053419.2), dbSNP rs200554524, ClinGen allele CA2421089.

ClinVar aggregate classification (germline): Likely benign (0 of 4 stars; one submission).

Conditions:
DOCK3-related disorder. Also called: DOCK3-related condition.

Allele frequency attached by ClinVar (database versions not stated): gnomAD exomes 0.00008; ExAC 0.00031; ESP Exome Variant Server 0.00049; 1000 Genomes Project 0.00060; 1000 Genomes Project 30x 0.00078; gnomAD 0.00090; TOPMed 0.00107.
gnomAD v4.1: 252 of 1,613,316 alleles (0.016%); highest among the groups gnomAD compares: African/African-American, 0.3%; 1 homozygote.

Submission:

PreventionGenetics, part of Exact Sciences
Classification: Likely benign for DOCK3-related condition. Last evaluated: 2019-08-15. Review status: no assertion criteria provided. Collection method: clinical testing. Allele origin: germline.
Comment: This variant is classified as likely benign based on ACMG/AMP sequence variant interpretation guidelines (Richards et al. 2015 PMID: 25741868, with internal and published modifications).